The following is an entry in ClinVar:

ClinVar aggregate classification (germline): Uncertain significance (1 of 4 stars; one submission).

Submission:

GeneDx
Classification: Uncertain significance. Last evaluated: 2025-02-14. Review status: criteria provided, single submitter. Criteria: GeneDx Variant Classification Process June 2021. Collection method: clinical testing. Allele origin: germline. Affected: yes.
Comment: Not observed at significant frequency in large population cohorts (gnomAD); In silico analysis supports that this missense variant has a deleterious effect on protein structure/function; Has not been previously published as pathogenic or benign to our knowledge

NM_014727.3(KMT2B):c.49C>T (p.Arg17Trp)

Gene: KMT2B (lysine methyltransferase 2B; plus strand). Cytogenetic location: 19q13.12.
Variant type: single nucleotide variant.
Coding change: c.49C>T on transcript NM_014727.3 (MANE Select); coding-DNA position 49, C replaced by T.
Protein change: p.Arg17Trp; replaces arginine 17 with tryptophan.
Molecular consequence: missense variant.
Genome position (GRCh38, 1-based): chr19:35,718,067, C>T. VCF-style: chr19-35718067-C-T. GRCh37 (hg19) VCF-style: chr19-36208969-C-T.
Other names: short protein forms R17W.
Identifiers: ClinVar variation 4075525 (VCV004075525.1).